The following is an entry in ClinVar:

ClinVar aggregate classification (germline): Pathogenic (1 of 4 stars; one submission).

Conditions:
Hypohidrotic X-linked ectodermal dysplasia (XHED). Also called: ECTODERMAL DYSPLASIA, HYPOHIDROTIC, 1; CST SYNDROME; Anhidrotic ectodermal dysplasia X-linked; Christ Siemens Touraine syndrome; ECTODERMAL DYSPLASIA 1, HYPOHIDROTIC/HAIR/TOOTH TYPE, X-LINKED; Ectodermal Dysplasia 1, Anhidrotic. Identifiers: Orphanet 181, Orphanet 238468, MedGen C0162359, MONDO:0010585, OMIM 305100.

Submission:

Labcorp Genetics (formerly Invitae), Labcorp
Classification: Pathogenic for Hypohidrotic X-linked ectodermal dysplasia. Last evaluated: 2023-09-11. Review status: criteria provided, single submitter. Criteria: Invitae Variant Classification Sherloc (09022015). Collection method: clinical testing. Allele origin: germline.
Comment: For these reasons, this variant has been classified as Pathogenic. A similar copy number variant has been observed in individuals with ectodermal dysplasia (PMID: 8696334, 23293949, 27305980; Invitae). This variant is a gross deletion of the genomic region encompassing exon(s) 2 of the EDA gene. This deletion is out-of-frame, and is expected to create a premature termination codon and result in an absent or disrupted protein product. Loss-of-function variants in EDA are known to be pathogenic (PMID: 9683615).

Literature cited by the submitters: PubMed 8696334; PubMed 23293949; PubMed 27305980; PubMed 9683615.

NC_000023.11:g.(?_69957007)_(69957152_?)del

Gene: EDA (ectodysplasin A; plus strand). Cytogenetic location: Xq13.1.
Variant type: Deletion.
Identifiers: ClinVar variation 660692 (VCV000660692.7).